The following is an entry in ClinVar:

ClinVar aggregate classification (germline): Pathogenic (1 of 4 stars; one submission).

Conditions:
Frontotemporal dementia and/or amyotrophic lateral sclerosis 4. Also called: FTDALS4. Identifiers: Orphanet 275872, MedGen C4225325, MONDO:0014641, OMIM 616439.

Submission:

Labcorp Genetics (formerly Invitae), Labcorp
Classification: Pathogenic for Frontotemporal dementia and/or amyotrophic lateral sclerosis 4. Last evaluated: 2022-06-28. Review status: criteria provided, single submitter. Criteria: Invitae Variant Classification Sherloc (09022015). Collection method: clinical testing. Allele origin: germline.
Comment: This variant has not been reported in the literature in individuals affected with TBK1-related conditions. This variant is not present in population databases (gnomAD no frequency). This sequence change creates a premature translational stop signal (p.Tyr435*) in the TBK1 gene. It is expected to result in an absent or disrupted protein product. Loss-of-function variants in TBK1 are known to be pathogenic (PMID: 25803835, 26476236, 26581300). For these reasons, this variant has been classified as Pathogenic.

Literature cited by the submitters: PubMed 25803835; PubMed 26476236; PubMed 26581300.

NM_013254.4(TBK1):c.1305T>A (p.Tyr435Ter)

Gene: TBK1 (TANK binding kinase 1; plus strand). Cytogenetic location: 12q14.2.
Variant type: single nucleotide variant.
Coding change: c.1305T>A on transcript NM_013254.4 (MANE Select); coding-DNA position 1305, T replaced by A.
Protein change: p.Tyr435Ter; replaces tyrosine 435 with a stop codon.
Molecular consequence: nonsense.
Genome position (GRCh38, 1-based): chr12:64,485,982, T>A. VCF-style: chr12-64485982-T-A. GRCh37 (hg19) VCF-style: chr12-64879762-T-A.
Other names: short protein forms Y435*.
Identifiers: ClinVar variation 2109276 (VCV002109276.4), dbSNP rs2539520026, ClinGen allele CA385601292.